The following is an entry in ClinVar:

NM_004370.6(COL12A1):c.4101A>G (p.Ile1367Met)

Gene: COL12A1 (collagen type XII alpha 1 chain; minus strand). Cytogenetic location: 6q13.
Variant type: single nucleotide variant.
Coding change: c.4101A>G on transcript NM_004370.6 (MANE Select); coding-DNA position 4101, A replaced by G.
Protein change: p.Ile1367Met; replaces isoleucine 1367 with methionine.
Molecular consequence: missense variant.
Genome position (GRCh38, 1-based): chr6:75,151,187, T>C on the plus strand (A>G on the coding strand, the complement: COL12A1 is on the minus strand). VCF-style: chr6-75151187-T-C. GRCh37 (hg19) VCF-style: chr6-75860903-T-C.
Other names: c.609A>G, p.Ile203Met (NM_080645.3); short protein forms I203M, I1367M.
Identifiers: ClinVar variation 933761 (VCV000933761.10), dbSNP rs745813975, ClinGen allele CA364747024.

ClinVar aggregate classification (germline): Uncertain significance (1 of 4 stars; one submission).

Conditions:
Ullrich congenital muscular dystrophy 2 (UCMD2). Identifiers: Orphanet 75840, MedGen C4225314, MONDO:0014654, OMIM 616470.
Bethlem myopathy 2 (BTHLM2). Identifiers: Orphanet 536516, Orphanet 610, MedGen C4225313, MONDO:0034022, OMIM 616471.

Allele frequency attached by ClinVar (database versions not stated): gnomAD 0.00001.
gnomAD v4.1: 3 of 1,612,238 alleles (0.00019%); highest among the groups gnomAD compares: African/African-American, 0.0013%; no homozygotes.

Submission:

Labcorp Genetics (formerly Invitae), Labcorp
Classification: Uncertain significance for Bethlem myopathy 2; Ullrich congenital muscular dystrophy 2. Last evaluated: 2019-09-16. Review status: criteria provided, single submitter. Criteria: Invitae Variant Classification Sherloc (09022015). Collection method: clinical testing. Allele origin: germline.
Comment: This sequence change replaces isoleucine with methionine at codon 1367 of the COL12A1 protein (p.Ile1367Met). The isoleucine residue is highly conserved and there is a small physicochemical difference between isoleucine and methionine. This variant is not present in population databases (ExAC no frequency). This variant has not been reported in the literature in individuals with COL12A1-related conditions. Algorithms developed to predict the effect of missense changes on protein structure and function are either unavailable or do not agree on the potential impact of this missense change (SIFT: "Deleterious"; PolyPhen-2: "Probably Damaging"; Align-GVGD: "Class C0"). In summary, the available evidence is currently insufficient to determine the role of this variant in disease. Therefore, it has been classified as a Variant of Uncertain Significance.